The following is an entry in ClinVar:

ClinVar aggregate classification (germline): Uncertain significance (1 of 4 stars; one submission).

Allele frequency attached by ClinVar (database versions not stated): TOPMed below 0.00001.

Submission:

GeneDx
Classification: Uncertain significance. Last evaluated: 2022-07-14. Review status: criteria provided, single submitter. Criteria: GeneDx Variant Classification Process June 2021. Collection method: clinical testing. Allele origin: germline. Affected: yes.
Comment: Not observed at significant frequency in large population cohorts (gnomAD); In silico analysis supports that this missense variant has a deleterious effect on protein structure/function; Has not been previously published as pathogenic or benign to our knowledge

NM_001110556.2(FLNA):c.7402G>A (p.Gly2468Ser)

Gene: FLNA (filamin A; minus strand). Cytogenetic location: Xq28.
Variant type: single nucleotide variant.
Coding change: c.7402G>A on transcript NM_001110556.2 (MANE Select); coding-DNA position 7402, G replaced by A.
Protein change: p.Gly2468Ser; replaces glycine 2468 with serine.
Molecular consequence: missense variant.
Genome position (GRCh38, 1-based): chrX:154,349,799, C>T on the plus strand (G>A on the coding strand, the complement: FLNA is on the minus strand). VCF-style: chrX-154349799-C-T. GRCh37 (hg19) VCF-style: chrX-153578167-C-T.
Other names: c.7378G>A, p.Gly2460Ser (NM_001456.4); short protein forms G2460S, G2468S.
Identifiers: ClinVar variation 1878828 (VCV001878828.1), dbSNP rs2067604905, ClinGen allele CA415182717.
Genomic context (GRCh38, chrX:154,349,799, plus strand): 5'-TATAGGTGACGCGGTAGCCCTCAGGGCACTCCTGGCAATCCATCTTCACCTTGGAGGGGC[C>T]GTCAATGGTCACCGACAGGGCACCAGCTCCCGCATTGCTCGTGTTCACGACGAACTCAGC-3'
Protein context (NP_001104026.1, residues 2458-2478): GAGALSVTID[Gly2468Ser]PSKVKMDCQE